The following is an entry in ClinVar:

NM_001034853.2(RPGR):c.2944del (p.Glu982fs)

Gene: RPGR (retinitis pigmentosa GTPase regulator; minus strand). Cytogenetic location: Xp11.4.
Variant type: Deletion.
Coding change: c.2944del on transcript NM_001034853.2 (MANE Select); coding-DNA position 2944, one base deleted (G; older notation c.2944delG).
Protein change: p.Glu982fs; shifts the reading frame from glutamic acid 982.
Molecular consequence: frameshift variant. On other transcripts: intron variant (8).
Genome position (GRCh38, 1-based): chrX:38,286,055, C deleted on the plus strand (G on the coding strand, the reverse complement: RPGR is on the minus strand); the first of 5 consecutive C bases (chrX:38,286,055-38,286,059); deleting any one gives the same sequence. VCF-style (leftmost placement, unchanged base first): chrX-38286054-TC-T. GRCh37 (hg19) VCF-style: chrX-38145307-TC-T.
Other names: NM_001034853.2(RPGR):c.2944del; p.Glu982fs; c.1569+4904del (NM_001367249.1, NM_001367250.1); c.1902+1039del (NM_001367245.1); c.1386+4904del (NM_001367251.1); c.1719+1039del (NM_001367246.1); c.1572+4904del (NM_001367247.1); c.1905+1039del (NM_000328.3); and 1 more; short protein forms E982fs.
Identifiers: ClinVar variation 2737195 (VCV002737195.5), dbSNP rs2519784531, ClinGen allele CA2693438924.

ClinVar aggregate classification (germline): Pathogenic. Review status: reviewed by expert panel (3 of 4 stars). 3 submissions from 3 submitters: Pathogenic (1). 2 of the submissions do not count toward it. Last evaluated 2025-09-07.

Conditions:
RPGR-related disorder. Also called: RPGR-related condition.
Primary ciliary dyskinesia. Also called: Ciliary dyskinesia. Identifiers: Orphanet 244, MedGen C0008780, MONDO:0016575, HP:0012265.
RPGR-related retinopathy. Also called: RPGR retinopathy. Identifiers: MedGen CN305589, MONDO:0100437.

Submissions (3):

ClinGen X-linked Inherited Retinal Disease Variant Curation Expert Panel, ClinGen
Classification: Pathogenic for RPGR-related retinopathy. Last evaluated: 2025-09-07. Review status: reviewed by expert panel. Criteria: ClinGen X LinkedIRD ACMG Specifications RPGR V1.0.0. Collection method: curation. Allele origin: germline. Inheritance: X-linked inheritance.
Comment: NM_001034853.2(RPGR):c.2944del (p.Glu982LysfsTer?) is a frameshift variant due to a 1-nucleotide deletion introducing a premature stop codon within exon 15 of 15 that is predicted to disrupt a critical C-terminal region required for proper glutamylation of RPGR (PVS1, PMID: 36445968). This variant is absent from hemizygous individuals in gnomAD v.4.1.0 (PM2_Supporting). The variant has been reported to segregate with retinal dystrophy through at least 3 affected meioses from 1 family (PP1_Moderate; PMID: 27620828). In summary, this variant is classified as pathogenic for RPGR-related retinopathy based on the ClinGen X-linked Inherited Retinal Disease Expert Panel Specifications to the ACMG/AMP Variant Interpretation Guidelines for RPGR Version 1.0.0; PVS1, PM2_Supporting, and PP1_Moderate.

Labcorp Genetics (formerly Invitae), Labcorp
Classification: Pathogenic for Primary ciliary dyskinesia. Last evaluated: 2025-04-18. Review status: criteria provided, single submitter. Criteria: Invitae Variant Classification Sherloc (09022015). Collection method: clinical testing. Allele origin: germline. Not counted in ClinVar's aggregate classification.
Comment: This sequence change creates a premature translational stop signal (p.Glu982Lysfs*107) in the RPGR (ORF15) gene. While this is not anticipated to result in nonsense mediated decay, it is expected to disrupt the last 171 amino acid(s) of the RPGR (ORF15) protein. This variant is not present in population databases (gnomAD no frequency). This premature translational stop signal has been observed in individual(s) with retinitis pigmentosa (PMID: 27620828). ClinVar contains an entry for this variant (Variation ID: 2737195). This variant disrupts a region of the RPGR (ORF15) protein in which other variant(s) (p.Leu1130Lysfs*13) have been determined to be pathogenic (PMID: 22264887; internal data). This suggests that this is a clinically significant region of the protein, and that variants that disrupt it are likely to be disease-causing. For these reasons, this variant has been classified as Pathogenic.

Blueprint Genetics
Classification: Pathogenic for RPGR-related disorders. Last evaluated: 2022-09-06. Review status: criteria provided, single submitter. Criteria: ACMG Guidelines, 2015. Collection method: clinical testing. Allele origin: germline. Affected: yes. Observed: 1 variant allele. Not counted in ClinVar's aggregate classification.

Literature cited by the submitters: PubMed 27620828 (cited by Labcorp Genetics (formerly Invitae), Labcorp); PubMed 22264887 (cited by Labcorp Genetics (formerly Invitae), Labcorp).